The following is an entry in ClinVar:

NM_002470.4(MYH3):c.1028C>T (p.Thr343Ile)

Gene: MYH3 (myosin heavy chain 3; minus strand). Cytogenetic location: 17p13.1.
Variant type: single nucleotide variant.
Coding change: c.1028C>T on transcript NM_002470.4 (MANE Select); coding-DNA position 1028, C replaced by T.
Protein change: p.Thr343Ile; replaces threonine 343 with isoleucine.
Molecular consequence: missense variant.
Genome position (GRCh38, 1-based): chr17:10,645,820, G>A on the plus strand (C>T on the coding strand, the complement: MYH3 is on the minus strand). VCF-style: chr17-10645820-G-A. GRCh37 (hg19) VCF-style: chr17-10549137-G-A.
Other names: short protein forms T343I.
Identifiers: ClinVar variation 4696424 (VCV004696424.1).
Genomic context (GRCh38, chr17:10,645,820, plus strand): 5'-ATGTTCCCGTAGTGCATCACGGCTCCCGTCAGCTTGTAGAGCCCAGATTTCTCTTCTGGG[G>A]TGAAGCCCAGGATGTCAATGGCGCTCTGGCATGGAAAGGGCAGCACGTCAGTCAGTTGGC-3'
Protein context (NP_002461.2, residues 333-353): TDSAIDILGF[Thr343Ile]PEEKSGLYKL

ClinVar aggregate classification (germline): Uncertain significance (1 of 4 stars; one submission).

Submission:

Labcorp Genetics (formerly Invitae), Labcorp
Classification: Uncertain significance. Last evaluated: 2025-02-23. Review status: criteria provided, single submitter. Criteria: Invitae Variant Classification Sherloc (09022015). Collection method: clinical testing. Allele origin: germline.
Comment: This sequence change replaces threonine, which is neutral and polar, with isoleucine, which is neutral and non-polar, at codon 343 of the MYH3 protein (p.Thr343Ile). This variant is not present in population databases (gnomAD no frequency). This variant has not been reported in the literature in individuals affected with MYH3-related conditions. Invitae Evidence Modeling of protein sequence and biophysical properties (such as structural, functional, and spatial information, amino acid conservation, physicochemical variation, residue mobility, and thermodynamic stability) indicates that this missense variant is not expected to disrupt MYH3 protein function with a negative predictive value of 95%. In summary, the available evidence is currently insufficient to determine the role of this variant in disease. Therefore, it has been classified as a Variant of Uncertain Significance.